The following is an entry in ClinVar:

NM_021625.5(TRPV4):c.502G>A (p.Gly168Arg)

Gene: TRPV4 (transient receptor potential cation channel subfamily V member 4; minus strand). Cytogenetic location: 12q24.11.
Variant type: single nucleotide variant.
Coding change: c.502G>A on transcript NM_021625.5 (MANE Select); coding-DNA position 502, G replaced by A.
Protein change: p.Gly168Arg; replaces glycine 168 with arginine.
Molecular consequence: missense variant.
Genome position (GRCh38, 1-based): chr12:109,808,353, C>T on the plus strand (G>A on the coding strand, the complement: TRPV4 is on the minus strand). VCF-style: chr12-109808353-C-T. GRCh37 (hg19) VCF-style: chr12-110246158-C-T.
Other names: c.502G>A, p.Gly168Arg (NM_001177428.2, NM_001177433.2, NM_147204.3); c.400G>A, p.Gly134Arg (NM_001177431.2); short protein forms G168R, G134R.
Identifiers: ClinVar variation 881272 (VCV000881272.10), dbSNP rs756559560, ClinGen allele CA6780526.
Genomic context (GRCh38, chr12:109,808,353, plus strand): 5'-CACCTCGAAACTCCTCATCAGTTAGGCGTTTCTTGTGGGTCAGCAAGAATGGGAGCAGCC[C>T]GTCCAGGTCAGCAGTGGAGCCCCGGGACACGATGTCAAAGAGGATAGGCCGGTTGAAGAC-3'
Protein context (NP_067638.3, residues 158-178): VSRGSTADLD[Gly168Arg]LLPFLLTHKK

ClinVar aggregate classification (germline): Uncertain significance. Review status: criteria provided, multiple submitters, no conflicts (2 of 4 stars). 7 submissions from 2 submitters: Uncertain significance (7). Last evaluated 2021-05-27.

Conditions:
Scapuloperoneal spinal muscular atrophy (SPSMA). Also called: Scapuloperoneal Form of Spinal Muscular Atrophy; Scapuloperoneal spinal muscular atrophy, autosomal dominant; AMYOTROPHY, NEUROGENIC SCAPULOPERONEAL, NEW ENGLAND TYPE; Scapuloperoneal Spinal Muscular Atrophy, TRPV4-Related. Identifiers: Orphanet 431255, MedGen C0751335, MONDO:0008408, OMIM 181405.
Charcot-Marie-Tooth disease axonal type 2C (HMSN2C). Also called: Charcot-Marie-Tooth Disease Type 2, TRPV4-Related (CMT2C); CHARCOT-MARIE-TOOTH DISEASE, AXONAL, AUTOSOMAL DOMINANT, TYPE 2C; Charcot-Marie-Tooth Neuropathy Type 2C. Identifiers: Orphanet 99937, MedGen C1853710, MONDO:0011633, OMIM 606071.
Metatropic dysplasia (MTD). Also called: METATROPIC DWARFISM; Metatropic dysplasia, nonlethal dominant; Metatropic Dysplasia, TRPV4-Related. Identifiers: Orphanet 2635, MedGen C0265281, MONDO:0007986, OMIM 156530.
Neuronopathy, distal hereditary motor, autosomal dominant 8. Also called: SPINAL MUSCULAR ATROPHY, CONGENITAL BENIGN, WITH CONTRACTURES; NEURONOPATHY, DISTAL HEREDITARY MOTOR, TYPE VIII; NEUROPATHY, DISTAL HEREDITARY MOTOR, TYPE VIII; Autosomal dominant congenital benign spinal muscular atrophy. Identifiers: Orphanet 1216, MedGen C1838492, MONDO:0010839, OMIM 600175.
Spondylometaphyseal dysplasia, Kozlowski type (SMDK). Also called: Spondylometaphyseal Dysplasia, TRPV4-Related (Kozlowski Type); Dysmorphism arthrogryposis skeletal maturation advanced; Jequier-Kozlowski syndrome; Skeletal dysplasia Jequier-Kozlowski type; SMD Kozlowski type. Identifiers: Orphanet 93314, MedGen C0265280, MONDO:0008477, OMIM 184252.
Brachyrachia (short spine dysplasia) (BCYM3). Also called: BRACHYRACHIA; Brachyolmia Type 3; Brachyolmia, TRPV4-Related; Autosomal dominant brachyolmia. Identifiers: Orphanet 93304, MedGen C0432227, MONDO:0007232, OMIM 113500.

Allele frequency attached by ClinVar (database versions not stated): TOPMed below 0.00001; ExAC 0.00001; gnomAD 0.00001; gnomAD exomes 0.00001.
gnomAD v4.1: 10 of 1,614,080 alleles (0.00062%); highest among the groups gnomAD compares: East Asian, 0.0045%; no homozygotes.

Submissions (7):

Labcorp Genetics (formerly Invitae), Labcorp
Classification: Uncertain significance for Charcot-Marie-Tooth disease axonal type 2C. Last evaluated: 2021-05-27. Review status: criteria provided, single submitter. Criteria: Invitae Variant Classification Sherloc (09022015). Collection method: clinical testing. Allele origin: germline.
Comment: Algorithms developed to predict the effect of missense changes on protein structure and function are either unavailable or do not agree on the potential impact of this missense change (SIFT: "Deleterious"; PolyPhen-2: "Benign"; Align-GVGD: "Class C0"). This sequence change replaces glycine with arginine at codon 168 of the TRPV4 protein (p.Gly168Arg). The glycine residue is moderately conserved and there is a moderate physicochemical difference between glycine and arginine. This variant is present in population databases (rs756559560, ExAC 0.002%). This variant has not been reported in the literature in individuals with TRPV4-related conditions. ClinVar contains an entry for this variant (Variation ID: 881272). Algorithms developed to predict the effect of sequence changes on RNA splicing suggest that this variant may create or strengthen a splice site, but this prediction has not been confirmed by published transcriptional studies. In summary, the available evidence is currently insufficient to determine the role of this variant in disease. Therefore, it has been classified as a Variant of Uncertain Significance.

Illumina Laboratory Services, Illumina
Classification: Uncertain significance for Metatropic dysplasia. Last evaluated: 2018-01-12. Review status: criteria provided, single submitter. Criteria: ICSL Variant Classification Criteria 13 December 2019. Collection method: clinical testing. Allele origin: germline.

Illumina Laboratory Services, Illumina
Classification: Uncertain significance for Scapuloperoneal spinal muscular atrophy. Last evaluated: 2018-01-12. Review status: criteria provided, single submitter. Criteria: ICSL Variant Classification Criteria 13 December 2019. Collection method: clinical testing. Allele origin: germline.

Illumina Laboratory Services, Illumina
Classification: Uncertain significance for Charcot-Marie-Tooth disease axonal type 2C. Last evaluated: 2018-01-12. Review status: criteria provided, single submitter. Criteria: ICSL Variant Classification Criteria 13 December 2019. Collection method: clinical testing. Allele origin: germline.

Illumina Laboratory Services, Illumina
Classification: Uncertain significance for Brachyrachia (short spine dysplasia). Last evaluated: 2018-01-12. Review status: criteria provided, single submitter. Criteria: ICSL Variant Classification Criteria 13 December 2019. Collection method: clinical testing. Allele origin: germline.

Illumina Laboratory Services, Illumina
Classification: Uncertain significance for Spondylometaphyseal dysplasia, Kozlowski type. Last evaluated: 2018-01-12. Review status: criteria provided, single submitter. Criteria: ICSL Variant Classification Criteria 13 December 2019. Collection method: clinical testing. Allele origin: germline.

Illumina Laboratory Services, Illumina
Classification: Uncertain significance for Neuronopathy, distal hereditary motor, autosomal dominant 8. Last evaluated: 2018-01-12. Review status: criteria provided, single submitter. Criteria: ICSL Variant Classification Criteria 13 December 2019. Collection method: clinical testing. Allele origin: germline.